The following is an entry in ClinVar:

NM_001283009.2(RTEL1):c.2932T>A (p.Tyr978Asn)

Genes: RTEL1 (regulator of telomere elongation helicase 1; plus strand), RTEL1-TNFRSF6B (RTEL1-TNFRSF6B readthrough (NMD candidate); plus strand). Cytogenetic location: 20q13.33.
Variant type: single nucleotide variant.
Coding change: c.2932T>A on transcript NM_001283009.2 (MANE Select); coding-DNA position 2932, T replaced by A.
Protein change: p.Tyr978Asn; replaces tyrosine 978 with asparagine.
Molecular consequence: missense variant. On other transcripts: non-coding transcript variant (1).
Genome position (GRCh38, 1-based): chr20:63,693,223, T>A. VCF-style: chr20-63693223-T-A. GRCh37 (hg19) VCF-style: chr20-62324576-T-A.
Other names: c.2263T>A, p.Tyr755Asn (NM_001283010.1); c.2932T>A, p.Tyr978Asn (NM_016434.4); c.3004T>A, p.Tyr1002Asn (NM_032957.5); short protein forms Y1002N, Y755N, Y978N.
Identifiers: ClinVar variation 4863617 (VCV004863617.2).

ClinVar aggregate classification (germline): Uncertain significance. Review status: criteria provided, multiple submitters, no conflicts (2 of 4 stars). 2 submissions from 2 submitters: Uncertain significance (2). Last evaluated 2026-06-10.

Conditions:
Inborn genetic diseases. Identifiers: MedGen C0950123, MeSH D030342.

gnomAD v4.1: 4 of 1,612,116 alleles (0.00025%); highest among the groups gnomAD compares: Non-Finnish European, 0.00034%; no homozygotes.

Submissions (2):

Ambry Genetics
Classification: Uncertain significance for Inborn genetic diseases. Last evaluated: 2026-06-10. Review status: criteria provided, single submitter. Criteria: Ambry Variant Classification Scheme 2023. Collection method: clinical testing. Allele origin: germline.
Comment: The p.Y978N variant (also known as c.2932T>A), located in coding exon 29 of the RTEL1 gene, results from a T to A substitution at nucleotide position 2932. The tyrosine at codon 978 is replaced by asparagine, an amino acid with dissimilar properties. This amino acid position is conserved. In addition, this alteration is predicted to be tolerated by in silico analysis. Based on the available evidence, the clinical significance of this variant remains unclear.

Blueprint Genetics
Classification: Uncertain significance. Last evaluated: 2018-10-11. Review status: criteria provided, single submitter. Criteria: ACMG Guidelines, 2015. Collection method: clinical testing. Allele origin: germline.